The following is an entry in ClinVar:

ClinVar aggregate classification (germline): Uncertain significance (1 of 4 stars; one submission).

Conditions:
Chuvash polycythemia. Also called: POLYCYTHEMIA, VHL-DEPENDENT. Identifiers: Orphanet 238557, MedGen C1837915, MONDO:0009892, OMIM 263400.
Von Hippel-Lindau syndrome (VHLS). Also called: VHL syndrome; von Hippel–Lindau syndrome; Von Hippel-Lindau. Identifiers: Orphanet 892, MedGen C0019562, MONDO:0008667, OMIM 193300. Disease mechanism: loss of function.

Submission:

Labcorp Genetics (formerly Invitae), Labcorp
Classification: Uncertain significance for Von Hippel-Lindau syndrome; Chuvash polycythemia. Last evaluated: 2025-09-05. Review status: criteria provided, single submitter. Criteria: Invitae Variant Classification Sherloc (09022015). Collection method: clinical testing. Allele origin: germline.
Comment: This sequence change falls in intron 1 of the VHL gene. It is not expected to change the encoded amino acid sequence of the VHL protein. However, this sequence change falls within a cryptic exon in the VHL gene, known as exon E1’, which is naturally expressed at low levels in several human tissues (PMID: 29891534). This variant is not present in population databases (gnomAD no frequency). This variant has not been reported in the literature in individuals affected with VHL-related conditions. ClinVar contains an entry for this variant (Variation ID: 862060). Experimental studies and prediction algorithms are not available or were not evaluated, and the functional significance of this variant is currently unknown. Algorithms developed to predict the effect of sequence changes on RNA splicing suggest that this variant is not likely to affect RNA splicing. In summary, the available evidence is currently insufficient to determine the role of this variant in disease. Therefore, it has been classified as a Variant of Uncertain Significance.

Literature cited by the submitters: PubMed 29891534.

NM_000551.4(VHL):c.340+608del

Genes: VHL (von Hippel-Lindau tumor suppressor; plus strand), LOC107303340 (3p25 von Hippel-Lindau tumor suppressor, E3 ubiquitin protein ligase Alu-mediated recombination region; plus strand). Cytogenetic location: 3p25.3.
Variant type: Deletion.
Coding change: c.340+608del on transcript NM_000551.4 (MANE Select); 608 bases into the intron after coding-DNA position 340, one base deleted (G; older notation c.340+608delG).
Molecular consequence: intron variant. On other transcripts: frameshift variant (1).
Genome position (GRCh38, 1-based): chr3:10,142,795, G deleted. VCF-style (leftmost placement, unchanged base first): chr3-10142794-AG-A. GRCh37 (hg19) VCF-style: chr3-10184478-AG-A.
Other names: c.373del, p.Val125fs (NM_001354723.2); c.340+608del (NM_198156.3); short protein forms V125fs.
Identifiers: ClinVar variation 862060 (VCV000862060.10), dbSNP rs1696158689, ClinGen allele CA916081411.
Genomic context (GRCh38, chr3:10,142,794, plus strand): 5'-GCTGCATCCTTAACACCCCATCTGTTCAGTCCTCATGACTCCAGTGGGCCAGTTCTGCGT[AG>A]TCCCTGCCCTCGTGGAGAACACATTCCTCCTGGGGAGACTGACAGATGCAAAGACAGGAA-3'